The following is an entry in ClinVar:

ClinVar aggregate classification (germline): Likely benign (0 of 4 stars; one submission).

Conditions:
PTPRS-related disorder. Also called: PTPRS-related condition.

Allele frequency attached by ClinVar (database versions not stated): ESP Exome Variant Server 0.00008; ExAC 0.00014; gnomAD exomes 0.00014; TOPMed 0.00024; gnomAD 0.00026; 1000 Genomes Project 0.00040; 1000 Genomes Project 30x 0.00078.
gnomAD v4.1: 253 of 1,613,908 alleles (0.016%); highest among the groups gnomAD compares: Admixed American, 0.063%; no homozygotes.

Submission:

PreventionGenetics, part of Exact Sciences
Classification: Likely benign for PTPRS-related condition. Last evaluated: 2019-06-06. Review status: no assertion criteria provided. Collection method: clinical testing. Allele origin: germline.
Comment: This variant is classified as likely benign based on ACMG/AMP sequence variant interpretation guidelines (Richards et al. 2015 PMID: 25741868, with internal and published modifications).

NM_002850.4(PTPRS):c.3381C>T (p.Ser1127=)

Gene: PTPRS (protein tyrosine phosphatase receptor type S; minus strand). Cytogenetic location: 19p13.3.
Variant type: single nucleotide variant.
Coding change: c.3381C>T on transcript NM_002850.4 (MANE Select); coding-DNA position 3381, C replaced by T.
Protein change: p.Ser1127=; no amino-acid change (serine 1127 retained).
Molecular consequence: synonymous variant.
Genome position (GRCh38, 1-based): chr19:5,221,074, G>A on the plus strand (C>T on the coding strand, the complement: PTPRS is on the minus strand). VCF-style: chr19-5221074-G-A. GRCh37 (hg19) VCF-style: chr19-5221085-G-A.
Other names: c.3315C>T, p.Ser1105= (NM_001394011.1, NM_001394013.1, NM_130854.3); c.3342C>T, p.Ser1114= (NM_001394012.1); c.2088C>T, p.Ser696= (NM_130853.3); c.2100C>T, p.Ser700= (NM_130855.3).
Identifiers: ClinVar variation 3044442 (VCV003044442.2), dbSNP rs113337498, ClinGen allele CA9109596.
Genomic context (GRCh38, chr19:5,221,074, plus strand): 5'-GCTCTGGCCGTCAGGAAGATACACCATGATGAAGCCGTCAGCATCAGGCTTGGGGGCGAC[G>A]CTGGGCTTGCCGTTGAGCAGGTTGAAGGCAGTCCAGGCGGTGACCGTCTGCTGGAGGCCG-3'
Protein context (NP_002841.3, residues 1117-1137): TAFNLLNGKP[Ser1127=]VAPKPDADGF